The following is an entry in ClinVar:

NM_201384.3(PLEC):c.6021G>A (p.Ala2007=)

Gene: PLEC (plectin; minus strand). Cytogenetic location: 8q24.3.
Variant type: single nucleotide variant.
Coding change: c.6021G>A on transcript NM_201384.3 (MANE Select); coding-DNA position 6021, G replaced by A.
Protein change: p.Ala2007=; no amino-acid change (alanine 2007 retained).
Molecular consequence: synonymous variant.
Genome position (GRCh38, 1-based): chr8:143,923,908, C>T on the plus strand (G>A on the coding strand, the complement: PLEC is on the minus strand). VCF-style: chr8-143923908-C-T. GRCh37 (hg19) VCF-style: chr8-144998076-C-T.
Other names: c.6102G>A, p.Ala2034= (NM_000445.5); c.5979G>A, p.Ala1993= (NM_201378.4); c.5955G>A, p.Ala1985= (NM_201379.3); c.6432G>A, p.Ala2144= (NM_201380.4); c.5925G>A, p.Ala1975= (NM_201381.3); c.6021G>A, p.Ala2007= (NM_201382.4); c.6033G>A, p.Ala2011= (NM_201383.3).
Identifiers: ClinVar variation 448074 (VCV000448074.15), dbSNP rs200338935, ClinGen allele CA4926139.

ClinVar aggregate classification (germline): Benign/Likely benign. Review status: criteria provided, multiple submitters, no conflicts (2 of 4 stars). 6 submissions from 6 submitters: Benign (2); Likely benign (3). 1 of the submissions does not count toward it. Last evaluated 2026-01-14.

Conditions:
Autosomal recessive limb-girdle muscular dystrophy type 2Q (LGMDR17). Also called: MUSCULAR DYSTROPHY, LIMB-GIRDLE, AUTOSOMAL RECESSIVE 17. Identifiers: Orphanet 254361, MedGen C3150989, MONDO:0013390, OMIM 613723.
Epidermolysis bullosa simplex with nail dystrophy (EBS5D). Identifiers: MedGen C4225309, MONDO:0014661, OMIM 616487.
Epidermolysis bullosa simplex 5C, with pyloric atresia (EBS5C). Also called: PLEC1-Related Epidermolysis Bullosa with Pyloric Atresia; PLEC-Related Epidermolysis Bullosa with Pyloric Atresia; Epidermolysis bullosa simplex with pyloric atresia. Identifiers: Orphanet 158684, MedGen C2677349, MONDO:0012807, OMIM 612138.
Epidermolysis bullosa simplex, Ogna type (EBS5A). Also called: Pidermolysis bullosa simplex 5A, Ogna type; EPIDERMOLYSIS BULLOSA SIMPLEX 5A, OGNA TYPE. Identifiers: Orphanet 79401, MedGen C0432317, MONDO:0007555, OMIM 131950.
Epidermolysis bullosa simplex 5B, with muscular dystrophy (EBS5B). Also called: Epidermolysis bullosa simplex with muscular dystrophy; EPIDERMOLYSIS BULLOSA SIMPLEX AND LIMB-GIRDLE MUSCULAR DYSTROPHY. Identifiers: Orphanet 257, MedGen C2931072, MONDO:0009181, OMIM 226670.
PLEC-related disorder. Also called: PLEC-related condition; PLEC-related disorders.

Allele frequency attached by ClinVar (database versions not stated): ESP Exome Variant Server 0.00018; gnomAD exomes 0.00035 and 0.00168; gnomAD 0.00053 and 0.00062; TOPMed 0.00087; 1000 Genomes Project 30x 0.00109; 1000 Genomes Project 0.00120; ExAC 0.00188.
gnomAD v4.1: 652 of 1,594,984 alleles (0.041%); highest among the groups gnomAD compares: East Asian, 1.1%; 4 homozygotes.

Submissions (6):

Labcorp Genetics (formerly Invitae), Labcorp
Classification: Benign for Autosomal recessive limb-girdle muscular dystrophy type 2Q; Epidermolysis bullosa simplex, Ogna type; Epidermolysis bullosa simplex with nail dystrophy; Epidermolysis bullosa simplex 5C, with pyloric atresia; Epidermolysis bullosa simplex 5B, with muscular dystrophy. Last evaluated: 2026-01-14. Review status: criteria provided, single submitter. Criteria: Invitae Variant Classification Sherloc (09022015). Collection method: clinical testing. Allele origin: germline.

Blueprint Genetics
Classification: Likely benign. Last evaluated: 2024-10-09. Review status: criteria provided, single submitter. Criteria: ACMG Guidelines, 2015. Collection method: clinical testing. Allele origin: germline.

GeneDx
Classification: Likely benign. Last evaluated: 2017-07-28. Review status: criteria provided, single submitter. Criteria: GeneDx Variant Classification (06012015). Collection method: clinical testing. Allele origin: germline. Affected: yes.
Comment: This variant is considered likely benign or benign based on one or more of the following criteria: it is a conservative change, it occurs at a poorly conserved position in the protein, it is predicted to be benign by multiple in silico algorithms, and/or has population frequency not consistent with disease.

Athena Diagnostics
Classification: Benign. Last evaluated: 2017-02-20. Review status: criteria provided, single submitter. Criteria: Athena Diagnostics Criteria. Collection method: clinical testing. Allele origin: germline.

Breakthrough Genomics
Classification: Likely benign. Review status: criteria provided, single submitter. Criteria: ACMG Guidelines, 2015. Collection method: not provided. Allele origin: germline. Inheritance: Autosomal recessive inheritance. Affected: yes.

PreventionGenetics, part of Exact Sciences
Classification: Benign for PLEC-related condition. Last evaluated: 2024-01-03. Review status: no assertion criteria provided. Collection method: clinical testing. Allele origin: germline. Not counted in ClinVar's aggregate classification.
Comment: This variant is classified as benign based on ACMG/AMP sequence variant interpretation guidelines (Richards et al. 2015 PMID: 25741868, with internal and published modifications).